The following is an entry in ClinVar:

NM_001142800.2(EYS):c.8268del (p.Val2757fs)

Genes: EYS (EGF-like photoreceptor maintenance factor; minus strand), PHF3 (PHD finger protein 3; plus strand). Cytogenetic location: 6q12.
Variant type: Deletion.
Coding change: c.8268del on transcript NM_001142800.2 (MANE Select); coding-DNA position 8268, one base deleted (C; older notation c.8268delC).
Protein change: p.Val2757fs; shifts the reading frame from valine 2757.
Molecular consequence: frameshift variant. On other transcripts: 3 prime UTR variant (5).
Genome position (GRCh38, 1-based): chr6:63,721,763, G deleted on the plus strand (C on the coding strand, the reverse complement: EYS is on the minus strand); the first of 2 consecutive G bases (chr6:63,721,763-63,721,764); deleting either gives the same sequence. VCF-style (leftmost placement, unchanged base first): chr6-63721762-CG-C. GRCh37 (hg19) VCF-style: chr6-64431658-CG-C.
Other names: c.*8056del (NM_001290259.2, NM_001370348.2, NM_001370349.2 and 2 more transcripts); c.8331del, p.Val2778fs (NM_001292009.2); short protein forms V2757fs, V2778fs.
Identifiers: ClinVar variation 4814660 (VCV004814660.1).

ClinVar aggregate classification (germline): Likely pathogenic (1 of 4 stars; one submission).

Conditions:
Retinitis pigmentosa 25 (RP25). Identifiers: Orphanet 791, MedGen C1864446, MONDO:0011272, OMIM 602772.

Submission:

Natera, Inc.
Classification: Likely pathogenic for Retinitis pigmentosa type 25. Last evaluated: 2024-10-29. Review status: criteria provided, single submitter. Criteria: Natera Variant Classification Schema (03/2026). Collection method: clinical testing. Allele origin: germline.
Comment: The c.8268delC variant in EYS is a frameshift variant predicted to shift the reading frame beginning at codon 2757 and leads to a stop codon 14 codons downstream. This variant is expected to result in nonsense mediated decay, truncation, or a dysfunctional protein product. This variant is rare in the general population with a frequency below the threshold expected for the associated phenotype(s). Given the available evidence, this variant is classified as Likely Pathogenic.